The following is an entry in ClinVar:

NM_152743.4(BRAT1):c.1186A>T (p.Thr396Ser)

Gene: BRAT1 (BRCA1 associated ATM activator 1; minus strand). Cytogenetic location: 7p22.3.
Variant type: single nucleotide variant.
Coding change: c.1186A>T on transcript NM_152743.4 (MANE Select); coding-DNA position 1186, A replaced by T.
Protein change: p.Thr396Ser; replaces threonine 396 with serine.
Molecular consequence: missense variant. On other transcripts: non-coding transcript variant (1).
Genome position (GRCh38, 1-based): chr7:2,541,433, T>A on the plus strand (A>T on the coding strand, the complement: BRAT1 is on the minus strand). VCF-style: chr7-2541433-T-A. GRCh37 (hg19) VCF-style: chr7-2581067-T-A.
Other names: c.1186A>T, p.Thr396Ser (NM_001350626.2); c.661A>T, p.Thr221Ser (NM_001350627.2); short protein forms T221S, T396S.
Identifiers: ClinVar variation 1809859 (VCV001809859.1), dbSNP rs1435948043, ClinGen allele CA366629314.

ClinVar aggregate classification (germline): Uncertain significance (1 of 4 stars; one submission).

Allele frequency attached by ClinVar (database versions not stated): TOPMed below 0.00001.

Submission:

GeneDx
Classification: Uncertain significance. Last evaluated: 2022-06-28. Review status: criteria provided, single submitter. Criteria: GeneDx Variant Classification Process June 2021. Collection method: clinical testing. Allele origin: germline. Affected: yes.
Comment: Not observed at significant frequency in large population cohorts (gnomAD); In silico analysis supports that this missense variant does not alter protein structure/function; Has not been previously published as pathogenic or benign to our knowledge